The following is an entry in ClinVar:

NM_001267550.2(TTN):c.101694dup (p.Asp33899Ter)

Genes: TTN (titin; minus strand), TTN-AS1 (TTN antisense RNA 1; plus strand). Cytogenetic location: 2q31.2.
Variant type: Duplication.
Coding change: c.101694dup on transcript NM_001267550.2 (MANE Select); coding-DNA position 101694, one base duplicated (T; older notation c.101694dupT).
Protein change: p.Asp33899Ter; replaces aspartic acid 33899 with a stop codon.
Molecular consequence: nonsense.
Genome position (GRCh38, 1-based): chr2:178,534,921, A duplicated on the plus strand (T on the coding strand, the reverse complement: TTN is on the minus strand); the first of 2 consecutive A bases (chr2:178,534,921-178,534,922); duplicating either gives the same sequence. VCF-style (leftmost placement, unchanged base first): chr2-178534920-C-CA. GRCh37 (hg19) VCF-style: chr2-179399647-C-CA.
Other names: c.96771dup, p.Asp32258Ter (NM_001256850.1); c.74499dup, p.Asp24834Ter (NM_003319.4); c.93990dup, p.Asp31331Ter (NM_133378.4); c.74874dup, p.Asp24959Ter (NM_133432.3); c.75075dup, p.Asp25026Ter (NM_133437.4); c.74499dupT (NM_003319.4); short protein forms D24959*, D33899*, D24834*, D25026*, D31331*, D32258*.
Identifiers: ClinVar variation 2000885 (VCV002000885.5), dbSNP rs2468553759, ClinGen allele CA2580064930.
Genomic context (GRCh38, chr2:178,534,920, plus strand): 5'-AACTTACAATTTCTCTTTCATTAAGTTCAAAAGCACTTGTGTTAATGCGCTCAAATATGT[C>CA]AAGTCCTGATATAAACTCAAAGATCATAACTAATTCTTCCATGCTTTCAAATGATTCATG-3'

ClinVar aggregate classification (germline): Likely pathogenic. Review status: criteria provided, multiple submitters, no conflicts (2 of 4 stars). 2 submissions from 2 submitters: Likely pathogenic (2). Last evaluated 2025-05-06.

Conditions:
Cardiovascular phenotype. Identifiers: MedGen CN230736.
Dilated cardiomyopathy 1G (CMD1G). Identifiers: Orphanet 154, MedGen C1858763, MONDO:0011400, OMIM 604145.
Autosomal recessive limb-girdle muscular dystrophy type 2J (LGMDR10). Also called: MUSCULAR DYSTROPHY, LIMB-GIRDLE, AUTOSOMAL RECESSIVE 10; Limb-girdle muscular dystrophy, type 2J. Identifiers: Orphanet 140922, MedGen C1837342, MONDO:0012127, OMIM 608807.

Submissions (2):

Ambry Genetics
Classification: Likely pathogenic for Cardiovascular phenotype. Last evaluated: 2025-05-06. Review status: criteria provided, single submitter. Criteria: Ambry Variant Classification Scheme 2023. Collection method: clinical testing. Allele origin: germline.
Comment: The c.74499dupT variant, located in coding exon 185 of the TTN gene, results from a duplication of T at nucleotide position 74499, causing a translational frameshift with a predicted alternate stop codon (p.D24834*). This exon is located in the M-band region of the N2-B isoform of the titin protein and is constitutively expressed in TTN transcripts (percent spliced in or PSI 100%). This variant is considered to be rare based on population cohorts in the Genome Aggregation Database (gnomAD). This variant is expected to result in loss of function by premature protein truncation or nonsense-mediated mRNA decay. While truncating variants in TTN are present in 1-3% of the general population, truncating variants in the M-band have been reported in association with autosomal recessive titinopathies, primarily presenting with skeletal myopathy phenotypes (Ceyhan-Birsoy O et al. Neurology. 2013 Oct 1;81(14):1205-14; De Cid R et al. Neurology. 2015;85(24):2126-35). Truncating variants in coding exon 185 of the M-band of the N2-B isoform have also been specifically associated with autosomal dominant dilated cardiomyopathy (Vatta M et al. Circ GenomPrecis Med. 2025 Feb:e004982). More generally, TTN truncating variants encoded in constitutive exons (PSI >90%) have been found to be significantly associated with dilated cardiomyopathy (DCM) regardless of their position, although truncating variants in the A-band are the most common cause of DCM (Herman DS et al. N. Engl. J. Med., 2012 Feb;366:619-28; Roberts AM et al. Sci Transl Med, 2015 Jan;7:270ra6; Schafer S et al. Nat. Genet., 2017 01;49:46-53; Akhtar MM et al. Circ Heart Fail, 2020 Oct;13:e006832; Massier M et al. Clin Genet, 2025 Jan). Based on the majority of available evidence to date, this variant is likely to be pathogenic.

Labcorp Genetics (formerly Invitae), Labcorp
Classification: Likely pathogenic for Dilated cardiomyopathy 1G; Autosomal recessive limb-girdle muscular dystrophy type 2J. Last evaluated: 2023-12-06. Review status: criteria provided, single submitter. Criteria: Invitae Variant Classification Sherloc (09022015). Collection method: clinical testing. Allele origin: germline.
Comment: This sequence change creates a premature translational stop signal (p.Asp33899*) in the TTN gene. While this is not anticipated to result in nonsense mediated decay, it is expected to create a truncated TTN protein. This variant is not present in population databases (gnomAD no frequency). This variant has not been reported in the literature in individuals affected with TTN-related conditions. ClinVar contains an entry for this variant (Variation ID: 2000885). This variant is located in the M band of TTN (PMID: 25589632). Truncating variants in this region have been previously reported in individuals affected with autosomal recessive myopathy and muscular dystrophy (PMID: 18948003, 23975875, 24395473). Truncating variants in this region have also been identified in individuals affected with autosomal dominant dilated cardiomyopathy and/or cardio-related conditions (PMID: 27869827, 32964742). In summary, the currently available evidence indicates that the variant is pathogenic, but additional data are needed to prove that conclusively. Therefore, this variant has been classified as Likely Pathogenic.

Literature cited by the submitters: PubMed 25589632 (cited by Labcorp Genetics (formerly Invitae), Labcorp); PubMed 18948003 (cited by Labcorp Genetics (formerly Invitae), Labcorp); PubMed 23975875 (cited by Labcorp Genetics (formerly Invitae), Labcorp); PubMed 24395473 (cited by Labcorp Genetics (formerly Invitae), Labcorp); PubMed 27869827 (cited by Labcorp Genetics (formerly Invitae), Labcorp); PubMed 32964742 (cited by Labcorp Genetics (formerly Invitae), Labcorp).